The following is an entry in ClinVar:

ClinVar aggregate classification (germline): Uncertain significance (1 of 4 stars; one submission).

Conditions:
Intellectual disability. Also called: Intellectual functioning disability; Intellectual developmental disorder; intellectual disabilities. Identifiers: MedGen C3714756, MeSH D008607, MONDO:0001071, HP:0001249.

Submission:

Labcorp Genetics (formerly Invitae), Labcorp
Classification: Uncertain significance for Intellectual disability. Last evaluated: 2023-08-04. Review status: criteria provided, single submitter. Criteria: Invitae Variant Classification Sherloc (09022015). Collection method: clinical testing. Allele origin: germline.
Comment: This sequence change falls in intron 5 of the GABRB2 gene. It does not directly change the encoded amino acid sequence of the GABRB2 protein. It affects a nucleotide within the consensus splice site. This variant is not present in population databases (gnomAD no frequency). This variant has not been reported in the literature in individuals affected with GABRB2-related conditions. ClinVar contains an entry for this variant (Variation ID: 1463203). Variants that disrupt the consensus splice site are a relatively common cause of aberrant splicing (PMID: 17576681, 9536098). Algorithms developed to predict the effect of sequence changes on RNA splicing suggest that this variant is not likely to affect RNA splicing. In summary, the available evidence is currently insufficient to determine the role of this variant in disease. Therefore, it has been classified as a Variant of Uncertain Significance.

Literature cited by the submitters: PubMed 17576681; PubMed 9536098.

NM_001371727.1(GABRB2):c.458+4T>G

Gene: GABRB2 (gamma-aminobutyric acid type A receptor subunit beta2; minus strand). Cytogenetic location: 5q34.
Variant type: single nucleotide variant.
Coding change: c.458+4T>G on transcript NM_001371727.1 (MANE Select); 4 bases into the intron after coding-DNA position 458, T replaced by G.
Molecular consequence: intron variant.
Genome position (GRCh38, 1-based): chr5:161,459,620, A>C on the plus strand (T>G on the coding strand, the complement: GABRB2 is on the minus strand). VCF-style: chr5-161459620-A-C. GRCh37 (hg19) VCF-style: chr5-160886626-A-C.
Other names: c.458+4T>G (NM_000813.3, NM_021911.3).
Identifiers: ClinVar variation 1463203 (VCV001463203.6), dbSNP rs2113263590, ClinGen allele CA2573139370.